The following is an entry in ClinVar:

ClinVar aggregate classification (germline): Pathogenic (1 of 4 stars; one submission).

Conditions:
Neurofibromatosis, type 1 (NF1). Also called: Neurofibromatosis, type I; VON RECKLINGHAUSEN DISEASE; NEUROFIBROMATOSIS, TYPE I, SOMATIC; Peripheral type neurofibromatosis. Identifiers: Orphanet 636, MedGen C0027831, MONDO:0018975, OMIM 162200. Disease mechanism: loss of function.

Submission:

Labcorp Genetics (formerly Invitae), Labcorp
Classification: Pathogenic for Neurofibromatosis, type 1. Last evaluated: 2021-08-13. Review status: criteria provided, single submitter. Criteria: Invitae Variant Classification Sherloc (09022015). Collection method: clinical testing. Allele origin: germline.
Comment: For these reasons, this variant has been classified as Pathogenic. This variant has not been reported in the literature in individuals affected with NF1-related conditions. This variant is not present in population databases (ExAC no frequency). This sequence change creates a premature translational stop signal (p.Leu1856Cysfs*4) in the NF1 gene. It is expected to result in an absent or disrupted protein product. Loss-of-function variants in NF1 are known to be pathogenic (PMID: 10712197, 23913538).

Literature cited by the submitters: PubMed 10712197; PubMed 23913538.

NM_001042492.3(NF1):c.5629del (p.Leu1877fs)

Gene: NF1 (neurofibromin 1; plus strand). Cytogenetic location: 17q11.2.
Variant type: Deletion.
Coding change: c.5629del on transcript NM_001042492.3 (MANE Select); coding-DNA position 5629, one base deleted (C; older notation c.5629delC).
Protein change: p.Leu1877fs; shifts the reading frame from leucine 1877.
Molecular consequence: frameshift variant.
Genome position (GRCh38, 1-based): chr17:31,330,315, C deleted. VCF-style (leftmost placement, unchanged base first): chr17-31330314-TC-T. GRCh37 (hg19) VCF-style: chr17-29657332-TC-T.
Other names: c.5566delC, p.Leu1856Cysfs (NM_000267.4); short protein forms L1856fs, L1877fs.
Identifiers: ClinVar variation 1456423 (VCV001456423.6), dbSNP rs2151544432, ClinGen allele CA2573153415.